The following is an entry in ClinVar:

NM_003265.3(TLR3):c.2025C>A (p.Tyr675Ter)

Gene: TLR3 (toll like receptor 3; plus strand). Cytogenetic location: 4q35.1.
Variant type: single nucleotide variant.
Coding change: c.2025C>A on transcript NM_003265.3 (MANE Select); coding-DNA position 2025, C replaced by A.
Protein change: p.Tyr675Ter; replaces tyrosine 675 with a stop codon.
Molecular consequence: nonsense.
Genome position (GRCh38, 1-based): chr4:186,083,711, C>A. VCF-style: chr4-186083711-C-A. GRCh37 (hg19) VCF-style: chr4-187004865-C-A.
Other names: short protein forms Y675*.
Identifiers: ClinVar variation 3680924 (VCV003680924.2).

ClinVar aggregate classification (germline): Uncertain significance (1 of 4 stars; one submission).

Conditions:
Encephalopathy, acute, infection-induced (herpes-specific), susceptibility to, 1. Also called: Herpes simplex encephalitis, susceptibility to, 1. Identifiers: Orphanet 1930, MedGen C2750180, MONDO:0024563, OMIM 610551.

gnomAD v4.1: 5 of 1,607,240 alleles (0.00031%); highest among the groups gnomAD compares: East Asian, 0.0045%; no homozygotes.

Submission:

Labcorp Genetics (formerly Invitae), Labcorp
Classification: Uncertain significance for Encephalopathy, acute, infection-induced (herpes-specific), susceptibility to, 1. Last evaluated: 2024-06-04. Review status: criteria provided, single submitter. Criteria: Invitae Variant Classification Sherloc (09022015). Collection method: clinical testing. Allele origin: germline.
Comment: This sequence change creates a premature translational stop signal (p.Tyr675*) in the TLR3 gene. It is expected to result in an absent or disrupted protein product. However, the current clinical and genetic evidence is not sufficient to establish whether loss-of-function variants in TLR3 cause disease. The frequency data for this variant in the population databases is considered unreliable, as metrics indicate poor data quality at this position in the gnomAD database. This variant has not been reported in the literature in individuals affected with TLR3-related conditions. In summary, the available evidence is currently insufficient to determine the role of this variant in disease. Therefore, it has been classified as a Variant of Uncertain Significance.